The following is an entry in ClinVar:

NM_000138.5(FBN1):c.6583G>T (p.Gly2195Ter)

Gene: FBN1 (fibrillin 1; minus strand). Cytogenetic location: 15q21.1.
Variant type: single nucleotide variant.
Coding change: c.6583G>T on transcript NM_000138.5 (MANE Select); coding-DNA position 6583, G replaced by T.
Protein change: p.Gly2195Ter; replaces glycine 2195 with a stop codon.
Molecular consequence: nonsense.
Genome position (GRCh38, 1-based): chr15:48,434,627, C>A on the plus strand (G>T on the coding strand, the complement: FBN1 is on the minus strand). VCF-style: chr15-48434627-C-A. GRCh37 (hg19) VCF-style: chr15-48726824-C-A.
Other names: short protein forms G2195*.
Identifiers: ClinVar variation 549351 (VCV000549351.9), dbSNP rs886038976, ClinGen allele CA392334795.

ClinVar aggregate classification (germline): Pathogenic. Review status: criteria provided, single submitter (1 of 4 stars). 2 submissions from 2 submitters: Pathogenic (1). 1 of the submissions does not count toward it. Last evaluated 2020-08-06.

Conditions:
Familial thoracic aortic aneurysm and aortic dissection (TAAD). Also called: Thoracic aortic aneurysms and dissections. Identifiers: Orphanet 91387, MedGen C4707243, MONDO:0019625.
Marfan syndrome (MFS). Also called: Marfan syndrome type 1; Marfan syndrome, classic; Marfan's syndrome; FBN1-Related Marfan Syndrome; MARFAN SYNDROME, TYPE I. Identifiers: Orphanet 284963, Orphanet 558, MedGen C0024796, MONDO:0007947, OMIM 154700.

Submissions (2):

Labcorp Genetics (formerly Invitae), Labcorp
Classification: Pathogenic for Marfan syndrome; Familial thoracic aortic aneurysm and aortic dissection. Last evaluated: 2020-08-06. Review status: criteria provided, single submitter. Criteria: Invitae Variant Classification Sherloc (09022015). Collection method: clinical testing. Allele origin: germline.
Comment: For these reasons, this variant has been classified as Pathogenic. Loss-of-function variants in FBN1 are known to be pathogenic (PMID: 17657824, 19293843). This variant has been observed in individual(s) with Marfan syndrome (PMID: 11700157). ClinVar contains an entry for this variant (Variation ID: 549351). This variant is not present in population databases (ExAC no frequency). This sequence change creates a premature translational stop signal (p.Gly2195*) in the FBN1 gene. It is expected to result in an absent or disrupted protein product.

Center for Medical Genetics Ghent, University of Ghent
Classification: Pathogenic for Marfan syndrome. Last evaluated: 2017-11-07. Review status: no assertion criteria provided. Collection method: clinical testing. Allele origin: germline. Affected: yes. Not counted in ClinVar's aggregate classification.

Literature cited by the submitters: PubMed 17657824 (cited by Labcorp Genetics (formerly Invitae), Labcorp); PubMed 19293843 (cited by Labcorp Genetics (formerly Invitae), Labcorp); PubMed 11700157 (cited by Labcorp Genetics (formerly Invitae), Labcorp).